The following is an entry in ClinVar:

ClinVar aggregate classification (germline): Uncertain significance (1 of 4 stars; one submission).

Submission:

Labcorp Genetics (formerly Invitae), Labcorp
Classification: Uncertain significance. Last evaluated: 2022-05-02. Review status: criteria provided, single submitter. Criteria: Invitae Variant Classification Sherloc (09022015). Collection method: clinical testing. Allele origin: germline.
Comment: This sequence change replaces arginine, which is basic and polar, with proline, which is neutral and non-polar, at codon 246 of the CAD protein (p.Arg246Pro). This variant is present in population databases (no rsID available, gnomAD no frequency). In summary, the available evidence is currently insufficient to determine the role of this variant in disease. Therefore, it has been classified as a Variant of Uncertain Significance. Algorithms developed to predict the effect of missense changes on protein structure and function (SIFT, PolyPhen-2, Align-GVGD) all suggest that this variant is likely to be tolerated. This variant has not been reported in the literature in individuals affected with CAD-related conditions.

NM_004341.5(CAD):c.737G>C (p.Arg246Pro)

Gene: CAD (carbamoyl-phosphate synthetase 2, aspartate transcarbamylase, and dihydroorotase; plus strand). Cytogenetic location: 2p23.3.
Variant type: single nucleotide variant.
Coding change: c.737G>C on transcript NM_004341.5 (MANE Select); coding-DNA position 737, G replaced by C.
Protein change: p.Arg246Pro; replaces arginine 246 with proline.
Molecular consequence: missense variant.
Genome position (GRCh38, 1-based): chr2:27,222,965, G>C. VCF-style: chr2-27222965-G-C. GRCh37 (hg19) VCF-style: chr2-27445833-G-C.
Other names: c.737G>C, p.Arg246Pro (NM_001306079.2); short protein forms R246P.
Identifiers: ClinVar variation 1909248 (VCV001909248.5), dbSNP rs1391297029, ClinGen allele CA346200803.